The following is an entry in ClinVar:

ClinVar aggregate classification (germline): Likely benign. Review status: criteria provided, multiple submitters, no conflicts (2 of 4 stars). 3 submissions from 3 submitters: Likely benign (3). Last evaluated 2024-09-05.

Conditions:
Fanconi anemia complementation group J. Also called: BRIP1-Related Fanconi Anemia. Identifiers: Orphanet 84, MedGen C1836860, MONDO:0012187, OMIM 609054.
Familial cancer of breast. Also called: Hereditary breast cancer; BREAST CANCER, FAMILIAL; hereditary breast carcinoma. Identifiers: Orphanet 227535, MedGen C0346153, MONDO:0016419, OMIM 114480. Disease mechanism: loss of function.
Hereditary cancer-predisposing syndrome. Also called: Tumor predisposition; Neoplastic Syndromes, Hereditary; Hereditary Cancer Syndrome; Hereditary neoplastic syndrome. Identifiers: Orphanet 140162, MedGen C0027672, MeSH D009386, MONDO:0015356.

Allele frequency attached by ClinVar (database versions not stated): gnomAD exomes below 0.00001.
gnomAD v4.1: 1 of 1,606,746 alleles (0.000062%); highest among the groups gnomAD compares: Non-Finnish European, 0.000085%; no homozygotes.

Submissions (3):

Myriad Genetics, Inc.
Classification: Likely benign for Familial cancer of breast. Last evaluated: 2024-09-05. Review status: criteria provided, single submitter. Criteria: Myriad Autosomal Dominant, Autosomal Recessive and X-Linked Classification Criteria (2023). Collection method: clinical testing. Allele origin: unknown.
Comment: This variant is considered likely benign. This variant is intronic and is not expected to impact mRNA splicing.

Labcorp Genetics (formerly Invitae), Labcorp
Classification: Likely benign for Familial cancer of breast; Fanconi anemia complementation group J. Last evaluated: 2024-06-26. Review status: criteria provided, single submitter. Criteria: Invitae Variant Classification Sherloc (09022015). Collection method: clinical testing. Allele origin: germline.

Color Diagnostics, LLC DBA Color Health
Classification: Likely benign for Hereditary cancer-predisposing syndrome. Last evaluated: 2018-04-17. Review status: criteria provided, single submitter. Criteria: ACMG Guidelines, 2015. Collection method: clinical testing. Allele origin: germline.

NM_032043.3(BRIP1):c.2575+10C>T

Gene: BRIP1 (BRCA1 interacting DNA helicase 1; minus strand). Cytogenetic location: 17q23.2.
Variant type: single nucleotide variant.
Coding change: c.2575+10C>T on transcript NM_032043.3 (MANE Select); 10 bases into the intron after coding-DNA position 2575, C replaced by T.
Molecular consequence: intron variant.
Genome position (GRCh38, 1-based): chr17:61,693,420, G>A on the plus strand (C>T on the coding strand, the complement: BRIP1 is on the minus strand). VCF-style: chr17-61693420-G-A. GRCh37 (hg19) VCF-style: chr17-59770781-G-A.
Identifiers: ClinVar variation 414662 (VCV000414662.16), dbSNP rs1060504322, ClinGen allele CA16615786.